The following is an entry in ClinVar:

NM_002473.6(MYH9):c.4451C>G (p.Ala1484Gly)

Gene: MYH9 (myosin heavy chain 9; minus strand). Cytogenetic location: 22q12.3.
Variant type: single nucleotide variant.
Coding change: c.4451C>G on transcript NM_002473.6 (MANE Select); coding-DNA position 4451, C replaced by G.
Protein change: p.Ala1484Gly; replaces alanine 1484 with glycine.
Molecular consequence: missense variant.
Genome position (GRCh38, 1-based): chr22:36,289,191, G>C on the plus strand (C>G on the coding strand, the complement: MYH9 is on the minus strand). VCF-style: chr22-36289191-G-C. GRCh37 (hg19) VCF-style: chr22-36685237-G-C.
Other names: short protein forms A1484G.
Identifiers: ClinVar variation 4114969 (VCV004114969.2).

ClinVar aggregate classification (germline): Uncertain significance. Review status: criteria provided, multiple submitters, no conflicts (2 of 4 stars). 2 submissions from 2 submitters: Uncertain significance (2). Last evaluated 2025-08-30.

Conditions:
Inborn genetic diseases. Identifiers: MedGen C0950123, MeSH D030342.

gnomAD v4.1: 5 of 1,613,332 alleles (0.00031%); highest among the groups gnomAD compares: Admixed American, 0.0017%; no homozygotes.

Submissions (2):

Ambry Genetics
Classification: Uncertain significance for Inborn genetic diseases. Last evaluated: 2025-08-30. Review status: criteria provided, single submitter. Criteria: Ambry Variant Classification Scheme 2023. Collection method: clinical testing. Allele origin: germline.

GeneDx
Classification: Uncertain significance. Last evaluated: 2025-07-14. Review status: criteria provided, single submitter. Criteria: GeneDx Variant Classification Process June 2021. Collection method: clinical testing. Allele origin: germline. Affected: yes.
Comment: Not observed at significant frequency in large population cohorts (gnomAD); In silico analysis suggests that this missense variant does not alter protein structure/function; Has not been previously published as pathogenic or benign to our knowledge